The following is an entry in ClinVar:

NM_006231.4(POLE):c.6356C>T (p.Thr2119Ile)

Gene: POLE (DNA polymerase epsilon, catalytic subunit; minus strand). Cytogenetic location: 12q24.33.
Variant type: single nucleotide variant.
Coding change: c.6356C>T on transcript NM_006231.4 (MANE Select); coding-DNA position 6356, C replaced by T.
Protein change: p.Thr2119Ile; replaces threonine 2119 with isoleucine.
Molecular consequence: missense variant.
Genome position (GRCh38, 1-based): chr12:132,626,292, G>A on the plus strand (C>T on the coding strand, the complement: POLE is on the minus strand). VCF-style: chr12-132626292-G-A. GRCh37 (hg19) VCF-style: chr12-133202878-G-A.
Other names: short protein forms T2119I.
Identifiers: ClinVar variation 4141084 (VCV004141084.1).

ClinVar aggregate classification (germline): Uncertain significance (1 of 4 stars; one submission).

Conditions:
Hereditary cancer-predisposing syndrome. Also called: Hereditary neoplastic syndrome; Neoplastic Syndromes, Hereditary; Tumor predisposition; Hereditary Cancer Syndrome. Identifiers: Orphanet 140162, MedGen C0027672, MeSH D009386, MONDO:0015356.

Submission:

Ambry Genetics
Classification: Uncertain significance for Hereditary cancer-predisposing syndrome. Last evaluated: 2025-08-22. Review status: criteria provided, single submitter. Criteria: Ambry Variant Classification Scheme 2023. Collection method: clinical testing. Allele origin: germline.
Comment: The p.T2119I variant (also known as c.6356C>T), located in coding exon 46 of the POLE gene, results from a C to T substitution at nucleotide position 6356. The threonine at codon 2119 is replaced by isoleucine, an amino acid with similar properties. This amino acid position is conserved. In addition, this alteration is predicted to be tolerated by in silico analysis. Based on the available evidence, the clinical significance of this variant remains unclear.